The following is an entry in ClinVar:

NM_052947.4(ALPK2):c.4522T>A (p.Cys1508Ser)

Genes: ALPK2 (alpha kinase 2; minus strand), LOC126862764 (BRD4-independent group 4 enhancer GRCh37_chr18:56202574-56203773; plus strand). Cytogenetic location: 18q21.31.
Variant type: single nucleotide variant.
Coding change: c.4522T>A on transcript NM_052947.4 (MANE Select); coding-DNA position 4522, T replaced by A.
Protein change: p.Cys1508Ser; replaces cysteine 1508 with serine.
Molecular consequence: missense variant.
Genome position (GRCh38, 1-based): chr18:58,535,665, A>T on the plus strand (T>A on the coding strand, the complement: ALPK2 is on the minus strand). VCF-style: chr18-58535665-A-T. GRCh37 (hg19) VCF-style: chr18-56202897-A-T.
Other names: short protein forms C1508S.
Identifiers: ClinVar variation 1741225 (VCV001741225.2), dbSNP rs2518874597, ClinGen allele CA402561843.

ClinVar aggregate classification (germline): Uncertain significance (1 of 4 stars; one submission).

Submission:

Ambry Genetics
Classification: Uncertain significance. Last evaluated: 2021-09-04. Review status: criteria provided, single submitter. Criteria: Ambry Variant Classification Scheme 2023. Collection method: clinical testing. Allele origin: germline.
Comment: The p.C1508S variant (also known as c.4522T>A), located in coding exon 4 of the ALPK2 gene, results from a T to A substitution at nucleotide position 4522. The cysteine at codon 1508 is replaced by serine, an amino acid with dissimilar properties. This amino acid position is conserved. In addition, this alteration is predicted to be tolerated by in silico analysis. Since supporting evidence is limited at this time, the clinical significance of this alteration remains unclear.